The following is an entry in ClinVar:

ClinVar aggregate classification (germline): Benign/Likely benign. Review status: criteria provided, multiple submitters, no conflicts (2 of 4 stars). 4 submissions from 4 submitters: Benign (3); Likely benign (1). Last evaluated 2025-11-29.

Allele frequency attached by ClinVar (database versions not stated): gnomAD exomes 0.00016 and 0.00030; ExAC 0.00049; 1000 Genomes Project 0.00080; 1000 Genomes Project 30x 0.00094; ESP Exome Variant Server 0.00098; gnomAD 0.00133 and 0.00147; TOPMed 0.00182.
gnomAD v4.1: 447 of 1,606,416 alleles (0.028%); highest among the groups gnomAD compares: African/African-American, 0.48%; 2 homozygotes.

Submissions (4):

Labcorp Genetics (formerly Invitae), Labcorp
Classification: Benign. Last evaluated: 2025-11-29. Review status: criteria provided, single submitter. Criteria: Invitae Variant Classification Sherloc (09022015). Collection method: clinical testing. Allele origin: germline.

Mayo Clinic Laboratories, Mayo Clinic
Classification: Likely benign. Last evaluated: 2025-04-07. Review status: criteria provided, single submitter. Criteria: ACMG Guidelines, 2015. Collection method: clinical testing. Allele origin: germline. Observed: 2 variant alleles.
Comment: BP4, BP7

Breakthrough Genomics
Classification: Benign. Review status: criteria provided, single submitter. Criteria: ACMG Guidelines, 2015. Collection method: not provided. Allele origin: germline. Inheritance: Autosomal recessive inheritance. Affected: yes.

PreventionGenetics, part of Exact Sciences
Classification: Benign. Review status: criteria provided, single submitter. Criteria: ACMG Guidelines, 2015. Collection method: clinical testing. Allele origin: germline.

NM_016363.5(GP6):c.881G>A (p.Arg294Gln)

Gene: GP6 (glycoprotein VI platelet; minus strand). Cytogenetic location: 19q13.42.
Variant type: single nucleotide variant.
Coding change: c.881G>A on transcript NM_016363.5 (MANE Select); coding-DNA position 881, G replaced by A.
Protein change: p.Arg294Gln; replaces arginine 294 with glutamine.
Molecular consequence: missense variant. On other transcripts: synonymous variant (1).
Genome position (GRCh38, 1-based): chr19:55,015,060, C>T on the plus strand (G>A on the coding strand, the complement: GP6 is on the minus strand). VCF-style: chr19-55015060-C-T. GRCh37 (hg19) VCF-style: chr19-55526428-C-T.
Other names: p.Pro295=; c.827G>A, p.Arg276Gln (LRG_560t2, NM_001256017.2); c.885G>A, p.Pro295= (LRG_560t3, NM_001083899.2); c.881G>A, p.Arg294Gln (LRG_560t1); short protein forms R276Q, R294Q.
Identifiers: ClinVar variation 257425 (VCV000257425.8), dbSNP rs201997410, ClinGen allele CA310121884.